The following is an entry in ClinVar:

ClinVar aggregate classification (germline): Uncertain significance. Review status: criteria provided, single submitter (1 of 4 stars). 2 submissions from 2 submitters: Uncertain significance (1). 1 of the submissions does not count toward it. Last evaluated 2022-02-17.

Conditions:
MAGEL2-related disorder. Also called: MAGEL2-related condition.
Schaaf-Yang syndrome (SHFYNG). Also called: Arthrogryposis, distal, with hypopituitarism, intellectual disability, and facial anomalies; MAGEL2-related Prader-Willi-like syndrome. Identifiers: Orphanet 398069, MedGen C5575066, MONDO:0014243, OMIM 615547.

Allele frequency attached by ClinVar (database versions not stated): TOPMed 0.00002.
gnomAD v4.1: 4 of 1,376,452 alleles (0.00029%); highest among the groups gnomAD compares: Non-Finnish European, 0.00028%; no homozygotes.

Submissions (2):

Revvity Omics, Revvity
Classification: Uncertain significance for Schaaf-Yang syndrome. Last evaluated: 2022-02-17. Review status: criteria provided, single submitter. Criteria: ACMG Guidelines, 2015. Collection method: clinical testing. Allele origin: germline.

PreventionGenetics, part of Exact Sciences
Classification: Uncertain significance for MAGEL2-related condition. Last evaluated: 2024-06-28. Review status: no assertion criteria provided. Collection method: clinical testing. Allele origin: germline. Not counted in ClinVar's aggregate classification.
Comment: The MAGEL2 c.1430C>G variant is predicted to result in the amino acid substitution p.Pro477Arg. To our knowledge, this variant has not been reported in the literature or in a large population database, indicating this variant is rare. At this time, the clinical significance of this variant is uncertain due to the absence of conclusive functional and genetic evidence.

NM_019066.5(MAGEL2):c.1430C>G (p.Pro477Arg)

Gene: MAGEL2 (MAGE family member L2; minus strand). Cytogenetic location: 15q11.2.
Variant type: single nucleotide variant.
Coding change: c.1430C>G on transcript NM_019066.5 (MANE Select); coding-DNA position 1430, C replaced by G.
Protein change: p.Pro477Arg; replaces proline 477 with arginine.
Molecular consequence: missense variant.
Genome position (GRCh38, 1-based): chr15:23,646,313, G>C on the plus strand (C>G on the coding strand, the complement: MAGEL2 is on the minus strand). VCF-style: chr15-23646313-G-C. GRCh37 (hg19) VCF-style: chr15-23891460-G-C.
Other names: c.1430C>G (NM_019066.4); short protein forms P477R.
Identifiers: ClinVar variation 2433607 (VCV002433607.5), dbSNP rs986429293, ClinGen allele CA267660335.